The following is an entry in ClinVar:

NM_005560.6(LAMA5):c.720C>T (p.Gly240=)

Gene: LAMA5 (laminin subunit alpha 5; minus strand). Cytogenetic location: 20q13.33.
Variant type: single nucleotide variant.
Coding change: c.720C>T on transcript NM_005560.6 (MANE Select); coding-DNA position 720, C replaced by T.
Protein change: p.Gly240=; no amino-acid change (glycine 240 retained).
Molecular consequence: synonymous variant.
Genome position (GRCh38, 1-based): chr20:62,352,047, G>A on the plus strand (C>T on the coding strand, the complement: LAMA5 is on the minus strand). VCF-style: chr20-62352047-G-A. GRCh37 (hg19) VCF-style: chr20-60927103-G-A.
Identifiers: ClinVar variation 3026322 (VCV003026322.22), dbSNP rs748492478, ClinGen allele CA9944308.

ClinVar aggregate classification (germline): Likely benign (1 of 4 stars; one submission).

Allele frequency attached by ClinVar (database versions not stated): gnomAD 0.00001; TOPMed 0.00002; gnomAD exomes 0.00003; ExAC 0.00004.
gnomAD v4.1: 42 of 1,612,230 alleles (0.0026%); highest among the groups gnomAD compares: East Asian, 0.011%; no homozygotes.

Submission:

CeGaT Center for Human Genetics Tuebingen
Classification: Likely benign. Last evaluated: 2023-12-01. Review status: criteria provided, single submitter. Criteria: CeGaT Center For Human Genetics Tuebingen Variant Classification Criteria Version 2. Collection method: clinical testing. Allele origin: germline. Affected: yes. Observed: 1 variant allele.
Comment: LAMA5: BP4, BP7